The following is an entry in ClinVar:

ClinVar aggregate classification (germline): Conflicting classifications of pathogenicity. Review status: criteria provided, conflicting classifications (1 of 4 stars). 2 submissions from 2 submitters: Uncertain significance (1); Likely benign (1). Last evaluated 2018-01-13.

Conditions:
Caveolinopathy. Identifiers: Orphanet 207078, MedGen C5679790, MONDO:0016146.

Allele frequency attached by ClinVar (database versions not stated): TOPMed 0.00002.
gnomAD v4.1: 59 of 1,108,468 alleles (0.0053%); highest among the groups gnomAD compares: Non-Finnish European, 0.0074%; no homozygotes.

Submissions (2):

Illumina Laboratory Services, Illumina
Classification: Uncertain significance for Caveolinopathy. Last evaluated: 2018-01-13. Review status: criteria provided, single submitter. Criteria: ICSL Variant Classification Criteria 13 December 2019. Collection method: clinical testing. Allele origin: germline.

GeneDx
Classification: Likely benign. Last evaluated: 2015-10-14. Review status: criteria provided, single submitter. Criteria: GeneDx Variant Classification (06012015). Collection method: clinical testing. Allele origin: germline. Affected: yes.
Comment: This variant is considered likely benign or benign based on one or more of the following criteria: it is a conservative change, it occurs at a poorly conserved position in the protein, it is predicted to be benign by multiple in silico algorithms, and/or has population frequency not consistent with disease.

NM_033337.3(CAV3):c.*85C>A

Genes: CAV3 (caveolin 3; plus strand), OXTR (oxytocin receptor; minus strand). Cytogenetic location: 3p25.3.
Variant type: single nucleotide variant.
Coding change: c.*85C>A on transcript NM_033337.3 (MANE Select); 85 bases downstream of the stop codon, C replaced by A.
Molecular consequence: 3 prime UTR variant. On other transcripts: intron variant (1).
Genome position (GRCh38, 1-based): chr3:8,745,952, C>A. VCF-style: chr3-8745952-C-A. GRCh37 (hg19) VCF-style: chr3-8787638-C-A.
Other names: c.*7-18C>A (NM_001234.5).
Identifiers: ClinVar variation 377627 (VCV000377627.5), dbSNP rs934971470, ClinGen allele CA16604639.